The following is an entry in ClinVar:

NM_002072.5(GNAQ):c.559A>C (p.Thr187Pro)

Gene: GNAQ (G protein subunit alpha q; minus strand). Cytogenetic location: 9q21.2.
Variant type: single nucleotide variant.
Coding change: c.559A>C on transcript NM_002072.5 (MANE Select); coding-DNA position 559, A replaced by C.
Protein change: p.Thr187Pro; replaces threonine 187 with proline.
Molecular consequence: missense variant.
Genome position (GRCh38, 1-based): chr9:77,797,566, T>G on the plus strand (A>C on the coding strand, the complement: GNAQ is on the minus strand). VCF-style: chr9-77797566-T-G. GRCh37 (hg19) VCF-style: chr9-80412482-T-G.
Other names: short protein forms T187P.
Identifiers: ClinVar variation 5003117 (VCV005003117.1).

ClinVar aggregate classification (germline): Uncertain significance (1 of 4 stars; one submission).

Conditions:
Familial multiple nevi flammei. Also called: PORT-WINE STAIN; CAPILLARY MALFORMATIONS, CONGENITAL, 1, SOMATIC, MOSAIC. Identifiers: Orphanet 624, MedGen C2931029, MONDO:0008094, OMIM 163000.

Submission:

OLLIN Analises Genomicas, OLLIN
Classification: Uncertain significance for Familial multiple nevi flammei. Last evaluated: 2026-08-06. Review status: criteria provided, single submitter. Criteria: ACMG Guidelines 2015 PMID 25741868. Collection method: clinical testing. Allele origin: germline.
Comment: This missense variant, located in exon 4 (of 7), is absent from gnomAD and ClinVar and has not been identified in the literature. In silico analysis predicts that this variant has a deleterious effect. According to the currently available evidence, this variant has been classified as uncertain significance (PM2_P, PP3_S).